The following is an entry in ClinVar:

ClinVar aggregate classification (germline): Benign (1 of 4 stars; one submission).

gnomAD v4.1: 11,533 of 1,114,328 alleles (1%); highest among the groups gnomAD compares: East Asian, 6.3%; 333 homozygotes.

Submission:

CeGaT Center for Human Genetics Tuebingen
Classification: Benign. Last evaluated: 2025-06-01. Review status: criteria provided, single submitter. Criteria: CeGaT Center For Human Genetics Tuebingen Variant Classification Criteria Version 2. Collection method: clinical testing. Allele origin: germline. Affected: yes. Observed: 1 variant allele.
Comment: ROS1: BS1, BS2

NM_001378902.1(ROS1):c.5540-26T>A

Gene: ROS1 (ROS proto-oncogene 1, receptor tyrosine kinase; minus strand). Cytogenetic location: 6q22.1.
Variant type: single nucleotide variant.
Coding change: c.5540-26T>A on transcript NM_001378902.1 (MANE Select); 26 bases into the intron before coding-DNA position 5540, T replaced by A.
Molecular consequence: intron variant.
Genome position (GRCh38, 1-based): chr6:117,324,441, A>T on the plus strand (T>A on the coding strand, the complement: ROS1 is on the minus strand). VCF-style: chr6-117324441-A-T. GRCh37 (hg19) VCF-style: chr6-117645604-A-T.
Other names: c.5558-26T>A (NM_002944.3); c.5546-26T>A (NM_001378891.1).
Identifiers: ClinVar variation 3906132 (VCV003906132.10).